The following is an entry in ClinVar:

NM_001135998.3(NDUFB11):c.176dup (p.Glu60fs)

Gene: NDUFB11 (NADH:ubiquinone oxidoreductase subunit B11; minus strand). Cytogenetic location: Xp11.3.
Variant type: Duplication.
Coding change: c.176dup on transcript NM_001135998.3 (MANE Select); coding-DNA position 176, one base duplicated (C; older notation c.176dupC).
Protein change: p.Glu60fs; shifts the reading frame from glutamic acid 60.
Molecular consequence: frameshift variant.
Genome position (GRCh38, 1-based): chrX:47,144,504, G duplicated on the plus strand (C on the coding strand, the reverse complement: NDUFB11 is on the minus strand); the first of 3 consecutive G bases (chrX:47,144,504-47,144,506); duplicating any one gives the same sequence. VCF-style (leftmost placement, unchanged base first): chrX-47144503-T-TG. GRCh37 (hg19) VCF-style: chrX-47003902-T-TG.
Other names: c.176dup, p.Glu60fs (NM_019056.7); short protein forms E60fs.
Identifiers: ClinVar variation 4294507 (VCV004294507.1).

ClinVar aggregate classification (germline): Likely pathogenic (1 of 4 stars; one submission).

Conditions:
Linear skin defects with multiple congenital anomalies 3 (LSDMCA3). Also called: LINEAR SKIN DEFECTS WITH CARDIOMYOPATHY AND OTHER CONGENITAL ANOMALIES. Identifiers: Orphanet 2556, MedGen C4225421, MONDO:0010494, OMIM 300952.

Submission:

Molecular Genetics Department, Kulakov National Medical Research Center for Obstetrics, Gynecology and Perinatology
Classification: Likely pathogenic for Linear skin defects with multiple congenital anomalies 3. Review status: criteria provided, single submitter. Criteria: ACMG Guidelines, 2015. Collection method: clinical testing. Allele origin: de novo. Affected: yes. Observed: 1 variant allele.
Comment: A previously undescribed heterozygous nucleotide variant creates a frameshift p.Glu60ArgfsTer9 in the NDUFB11 gene. Heterozygous variants leading to loss of full-length protein are reported in patients with linear skin defects with multiple congenital anomalies 3, 300952. The variant is not present in population database (gnomAD no frequency). Sanger sequencing revealed that the variant arose de novo (parentage confirmed). In summary, the currently available evidence indicates that the variant is pathogenic, but additional data are needed to prove that conclusively. Therefore, this variant has been classified as likely pathogenic.